The following is an entry in ClinVar:

ClinVar aggregate classification (germline): Uncertain significance (1 of 4 stars; one submission).

Allele frequency attached by ClinVar (database versions not stated): gnomAD 0.00001; TOPMed 0.00002.
gnomAD v4.1: 1 of 1,612,304 alleles (0.000062%); highest among the groups gnomAD compares: African/African-American, 0.0013%; no homozygotes.

Submission:

Labcorp Genetics (formerly Invitae), Labcorp
Classification: Uncertain significance. Last evaluated: 2022-07-25. Review status: criteria provided, single submitter. Criteria: Invitae Variant Classification Sherloc (09022015). Collection method: clinical testing. Allele origin: germline.
Comment: This sequence change replaces glutamine, which is neutral and polar, with glutamic acid, which is acidic and polar, at codon 246 of the MCM5 protein (p.Gln246Glu). In summary, the available evidence is currently insufficient to determine the role of this variant in disease. Therefore, it has been classified as a Variant of Uncertain Significance. Algorithms developed to predict the effect of missense changes on protein structure and function (SIFT, PolyPhen-2, Align-GVGD) all suggest that this variant is likely to be tolerated. This variant has not been reported in the literature in individuals affected with MCM5-related conditions. This variant is not present in population databases (gnomAD no frequency).

NM_006739.4(MCM5):c.736C>G (p.Gln246Glu)

Gene: MCM5 (minichromosome maintenance complex component 5; plus strand). Cytogenetic location: 22q12.3.
Variant type: single nucleotide variant.
Coding change: c.736C>G on transcript NM_006739.4 (MANE Select); coding-DNA position 736, C replaced by G.
Protein change: p.Gln246Glu; replaces glutamine 246 with glutamic acid.
Molecular consequence: missense variant.
Genome position (GRCh38, 1-based): chr22:35,408,547, C>G. VCF-style: chr22-35408547-C-G. GRCh37 (hg19) VCF-style: chr22-35804540-C-G.
Other names: short protein forms Q246E.
Identifiers: ClinVar variation 1931290 (VCV001931290.5), dbSNP rs934499134, ClinGen allele CA323544427.
Genomic context (GRCh38, chr22:35,408,547, plus strand): 5'-ACCCTGAAGCTGCAGGAGCTGCCTGATGCAGTCCCCCACGGGGAGATGCCCAGACACATG[C>G]AGCTCTACTGCGACAGGTGAGGCAGACGGGCTGGGAGGTGGGCATCTACGACGGTGGATG-3'
Protein context (NP_006730.2, residues 236-256): VPHGEMPRHM[Gln246Glu]LYCDRYLCDK